The following is an entry in ClinVar:

ClinVar aggregate classification (germline): Uncertain significance (1 of 4 stars; one submission).

Conditions:
Familial thoracic aortic aneurysm and aortic dissection (TAAD). Also called: Thoracic aortic aneurysms and dissections. Identifiers: Orphanet 91387, MedGen C4707243, MONDO:0019625.

Allele frequency attached by ClinVar (database versions not stated): gnomAD exomes below 0.00001; TOPMed below 0.00001.
gnomAD v4.1: 4 of 1,614,244 alleles (0.00025%); highest among the groups gnomAD compares: Non-Finnish European, 0.00025%; no homozygotes.

Submission:

Color Diagnostics, LLC DBA Color Health
Classification: Uncertain significance for Familial thoracic aortic aneurysm and aortic dissection. Last evaluated: 2024-03-06. Review status: criteria provided, single submitter. Criteria: ACMG Guidelines, 2015. Collection method: clinical testing. Allele origin: germline.
Comment: This missense variant replaces lysine with glutamic acid at codon 870 of the MYH11 protein. Computational prediction is inconclusive regarding the impact of this variant on protein structure and function (internally defined REVEL score threshold 0.5 < inconclusive < 0.7, PMID: 27666373). To our knowledge, functional studies have not been reported for this variant. This variant has not been reported in individuals affected with MYH11-related disorders in the literature. This variant has not been identified in the general population by the Genome Aggregation Database (gnomAD). The available evidence is insufficient to determine the role of this variant in disease conclusively. Therefore, this variant is classified as a Variant of Uncertain Significance.

NM_002474.3(MYH11):c.2587A>G (p.Lys863Glu)

Gene: MYH11 (myosin heavy chain 11; minus strand). Cytogenetic location: 16p13.11.
Variant type: single nucleotide variant.
Coding change: c.2587A>G on transcript NM_002474.3 (MANE Select); coding-DNA position 2587, A replaced by G.
Protein change: p.Lys863Glu; replaces lysine 863 with glutamic acid.
Molecular consequence: missense variant.
Genome position (GRCh38, 1-based): chr16:15,741,825, T>C on the plus strand (A>G on the coding strand, the complement: MYH11 is on the minus strand). VCF-style: chr16-15741825-T-C. GRCh37 (hg19) VCF-style: chr16-15835682-T-C.
Other names: c.2608A>G, p.Lys870Glu (NM_001040113.2, NM_001040114.2); c.2587A>G, p.Lys863Glu (NM_022844.3); short protein forms K870E, K863E.
Identifiers: ClinVar variation 921066 (VCV000921066.5), dbSNP rs2041282396, ClinGen allele CA394866355.